The following is an entry in ClinVar:

ClinVar aggregate classification (germline): Uncertain significance (1 of 4 stars; one submission).

gnomAD v4.1: 1 of 1,612,484 alleles (0.000062%); highest among the groups gnomAD compares: Non-Finnish European, 0.000085%; no homozygotes.

Submission:

Labcorp Genetics (formerly Invitae), Labcorp
Classification: Uncertain significance. Last evaluated: 2025-12-15. Review status: criteria provided, single submitter. Criteria: Invitae Variant Classification Sherloc (09022015). Collection method: clinical testing. Allele origin: germline.
Comment: This sequence change replaces glutamic acid, which is acidic and polar, with aspartic acid, which is acidic and polar, at codon 70 of the SUCLG2 protein (p.Glu70Asp). This variant is not present in population databases (gnomAD no frequency). This variant has not been reported in the literature in individuals affected with SUCLG2-related conditions. An algorithm developed to predict the effect of missense changes on protein structure and function (PolyPhen-2) suggests that this variant is likely to be tolerated. In summary, the available evidence is currently insufficient to determine the role of this variant in disease. Therefore, it has been classified as a Variant of Uncertain Significance.

NM_003848.4(SUCLG2):c.210G>C (p.Glu70Asp)

Gene: SUCLG2 (succinate-CoA ligase GDP-forming subunit beta; minus strand). Cytogenetic location: 3p14.1.
Variant type: single nucleotide variant.
Coding change: c.210G>C on transcript NM_003848.4 (MANE Select); coding-DNA position 210, G replaced by C.
Protein change: p.Glu70Asp; replaces glutamic acid 70 with aspartic acid.
Molecular consequence: missense variant.
Genome position (GRCh38, 1-based): chr3:67,609,471, C>G on the plus strand (G>C on the coding strand, the complement: SUCLG2 is on the minus strand). VCF-style: chr3-67609471-C-G. GRCh37 (hg19) VCF-style: chr3-67659895-C-G.
Other names: c.210G>C, p.Glu70Asp (NM_001177599.2); short protein forms E70D.
Identifiers: ClinVar variation 4770558 (VCV004770558.1).